The following is an entry in ClinVar:

NM_001999.4(FBN2):c.6518A>G (p.Asn2173Ser)

Gene: FBN2 (fibrillin 2; minus strand). Cytogenetic location: 5q23.3.
Variant type: single nucleotide variant.
Coding change: c.6518A>G on transcript NM_001999.4 (MANE Select); coding-DNA position 6518, A replaced by G.
Protein change: p.Asn2173Ser; replaces asparagine 2173 with serine.
Molecular consequence: missense variant.
Genome position (GRCh38, 1-based): chr5:128,289,246, T>C on the plus strand (A>G on the coding strand, the complement: FBN2 is on the minus strand). VCF-style: chr5-128289246-T-C. GRCh37 (hg19) VCF-style: chr5-127624938-T-C.
Other names: c.6518A>G (NM_001999.3); short protein forms N2173S.
Identifiers: ClinVar variation 1331010 (VCV001331010.14), dbSNP rs143054385, ClinGen allele CA3394377.
Genomic context (GRCh38, chr5:128,289,246, plus strand): 5'-GATCCGTCGGTGTTGATACATTGACCATTTGAACAAATGCCTGGGCTCTCAAGACACTCA[T>C]TGACATCTAAAATATAGAACTGCATGTGAATTTCCTCATATAAAAAGATATGCCGGCCAG-3'
Protein context (NP_001990.2, residues 2163-2183): PSLHDTREDV[Asn2173Ser]ECLESPGICS

ClinVar aggregate classification (germline): Conflicting classifications of pathogenicity. Review status: criteria provided, conflicting classifications (1 of 4 stars). 4 submissions from 4 submitters: Uncertain significance (3); Likely benign (1). Last evaluated 2025-02-02.

Conditions:
Congenital contractural arachnodactyly (CCA). Also called: BEALS SYNDROME; Beals-Hecht syndrome; Arthrogryposis, distal, type 9. Identifiers: Orphanet 115, MedGen C0220668, MONDO:0007363, OMIM 121050.
FBN2-related disorder. Also called: FBN2-related condition.

Allele frequency attached by ClinVar (database versions not stated): ExAC 0.00001; gnomAD exomes 0.00001; TOPMed 0.00001; ESP Exome Variant Server 0.00008.
gnomAD v4.1: 17 of 1,613,998 alleles (0.0011%); highest among the groups gnomAD compares: Admixed American, 0.0033%; no homozygotes.

Submissions (4):

PreventionGenetics, part of Exact Sciences
Classification: Uncertain significance for FBN2-related condition. Last evaluated: 2025-02-02. Review status: criteria provided, single submitter. Criteria: ACMG Guidelines, 2015. Collection method: clinical testing. Allele origin: germline.
Comment: The FBN2 c.6518A>G variant is predicted to result in the amino acid substitution p.Asn2173Ser. To our knowledge, this variant has not been reported in the literature. This variant is reported in 0.0062% of alleles in individuals of African descent in gnomAD. At this time, the clinical significance of this variant is uncertain due to the absence of conclusive functional and genetic evidence.

GeneDx
Classification: Uncertain significance. Last evaluated: 2024-09-04. Review status: criteria provided, single submitter. Criteria: GeneDx Variant Classification Process June 2021. Collection method: clinical testing. Allele origin: germline. Affected: yes.
Comment: Not observed at significant frequency in large population cohorts (gnomAD); In silico analysis supports that this missense variant has a deleterious effect on protein structure/function; Has not been previously published as pathogenic or benign to our knowledge; Although located in a calcium-binding EGF-like domain of the FBN2 gene, it does not substitute or introduce a cysteine residue (PMID: 19006240, 18767143); This variant is associated with the following publications: (PMID: 19006240, 18767143)

Labcorp Genetics (formerly Invitae), Labcorp
Classification: Likely benign for Congenital contractural arachnodactyly. Last evaluated: 2024-07-20. Review status: criteria provided, single submitter. Criteria: Invitae Variant Classification Sherloc (09022015). Collection method: clinical testing. Allele origin: germline.

ARUP Laboratories, Molecular Genetics and Genomics, ARUP Laboratories
Classification: Uncertain significance. Last evaluated: 2021-01-12. Review status: criteria provided, single submitter. Criteria: ARUP Molecular Germline Variant Investigation Process 2021. Collection method: clinical testing. Allele origin: germline.
Comment: The FBN2 c.6518A>G; p.Asn2173Ser variant (rs143054385), to our knowledge, is not reported in the medical literature or gene-specific databases. This variant is found on only three chromosomes (3/250312 alleles) in the Genome Aggregation Database. The asparagine at codon 2173 is highly conserved, and computational analyses predict that this variant is deleterious (REVEL: 0.854). However, due to limited information, the clinical significance of the p.Asn2173Ser variant is uncertain at this time.